The following is an entry in ClinVar:

NM_003119.4(SPG7):c.1449+6_1449+7del

Gene: SPG7 (SPG7 matrix AAA peptidase subunit, paraplegin; plus strand). Cytogenetic location: 16q24.3.
Variant type: Microsatellite.
Coding change: c.1449+6_1449+7del on transcript NM_003119.4 (MANE Select); bases 6 to 7 of the intron after coding-DNA position 1449, 2 bases deleted (AG; older notation c.1449+6_1449+7delAG).
Molecular consequence: intron variant.
Genome position (GRCh38, 1-based): chr16:89,544,778-89,544,779, AG deleted; deleting any 2 consecutive bases within chr16:89,544,776-89,544,779 gives the same sequence; the c. name uses the placement nearest the transcript's 3' end. VCF-style (leftmost placement, unchanged base first): chr16-89544775-CAG-C. GRCh37 (hg19) VCF-style: chr16-89611183-CAG-C.
Other names: c.1449+6_1449+7del (NM_001363850.1).
Identifiers: ClinVar variation 2043263 (VCV002043263.4), dbSNP rs1483508370, ClinGen allele CA624245371.

ClinVar aggregate classification (germline): Uncertain significance (1 of 4 stars; one submission).

Conditions:
Hereditary spastic paraplegia 7 (SPG7). Also called: SPG7-related neurologic disorder; Autosomal recessive spastic paraplegia type 7; Spastic paraplegia 7; Hereditary spastic paraplegia Paraplegin type; SPASTIC PARAPLEGIA 7, AUTOSOMAL RECESSIVE, WITH OR WITHOUT CEREBELLAR ATAXIA. Identifiers: Orphanet 99013, MedGen C1846564, MONDO:0011803, OMIM 607259.

Submission:

Labcorp Genetics (formerly Invitae), Labcorp
Classification: Uncertain significance for Hereditary spastic paraplegia 7. Last evaluated: 2022-05-12. Review status: criteria provided, single submitter. Criteria: Invitae Variant Classification Sherloc (09022015). Collection method: clinical testing. Allele origin: germline.
Comment: Variants that disrupt the consensus splice site are a relatively common cause of aberrant splicing (PMID: 17576681, 9536098). Algorithms developed to predict the effect of sequence changes on RNA splicing suggest that this variant is not likely to affect RNA splicing. In summary, the available evidence is currently insufficient to determine the role of this variant in disease. Therefore, it has been classified as a Variant of Uncertain Significance. This sequence change falls in intron 10 of the SPG7 gene. It does not directly change the encoded amino acid sequence of the SPG7 protein. It affects a nucleotide within the consensus splice site. This variant is present in population databases (no rsID available, gnomAD 0.002%). This variant has not been reported in the literature in individuals affected with SPG7-related conditions.

Literature cited by the submitters: PubMed 17576681; PubMed 9536098.